The following is an entry in ClinVar:

ClinVar aggregate classification (germline): Uncertain significance (1 of 4 stars; one submission).

Submission:

Greenwood Genetic Center Diagnostic Laboratories, Greenwood Genetic Center
Classification: Uncertain significance. Last evaluated: 2021-05-21. Review status: criteria provided, single submitter. Criteria: ACMG Guidelines, 2015. Collection method: clinical testing. Allele origin: germline. Affected: yes.
Comment: PS2, PP3, PM2

NM_017831.4(RNF125):c.181A>T (p.Ile61Phe)

Gene: RNF125 (ring finger protein 125; plus strand). Cytogenetic location: 18q12.1.
Variant type: single nucleotide variant.
Coding change: c.181A>T on transcript NM_017831.4 (MANE Select); coding-DNA position 181, A replaced by T.
Protein change: p.Ile61Phe; replaces isoleucine 61 with phenylalanine.
Molecular consequence: missense variant.
Genome position (GRCh38, 1-based): chr18:32,037,132, A>T. VCF-style: chr18-32037132-A-T. GRCh37 (hg19) VCF-style: chr18-29617095-A-T.
Other names: short protein forms I61F.
Identifiers: ClinVar variation 1334768 (VCV001334768.4), dbSNP rs2144463305, ClinGen allele CA402254236.
Genomic context (GRCh38, chr18:32,037,132, plus strand): 5'-TAGCTTTCAAGGAAAGTGATGTATTTTTGGTCTGTTTGGGGTAGATTCTGCCGTTCCTGT[A>T]TTGCTACCAGTCTAAAGAACAACAAGTGGACCTGTCCTTATTGCCGGGCATATCTTCCTT-3'
Protein context (NP_060301.2, residues 51-71): RCGHVFCRSC[Ile61Phe]ATSLKNNKWT